The following is an entry in ClinVar:

ClinVar aggregate classification (germline): Uncertain significance (1 of 4 stars; one submission).

Conditions:
SCAPER-related disorder. Also called: SCAPER-related condition.

gnomAD v4.1: 2 of 1,612,918 alleles (0.00012%); highest among the groups gnomAD compares: Admixed American, 0.0033%; no homozygotes.

Submission:

PreventionGenetics, part of Exact Sciences
Classification: Uncertain significance for SCAPER-related condition. Last evaluated: 2026-08-06. Review status: criteria provided, single submitter. Criteria: ACMG Guidelines, 2015. Collection method: clinical testing. Allele origin: germline.
Comment: The SCAPER c.33T>A variant is predicted to result in the amino acid substitution p.His11Gln. To our knowledge, this variant has not been reported in the literature. This variant is reported in 0.0058% of alleles in individuals of Latino descent in gnomAD. At this time, the clinical significance of this variant is uncertain due to the absence of conclusive functional and genetic evidence.

NM_020843.4(SCAPER):c.33T>A (p.His11Gln)

Gene: SCAPER (S-phase cyclin A associated protein in the ER; minus strand). Cytogenetic location: 15q24.3.
Variant type: single nucleotide variant.
Coding change: c.33T>A on transcript NM_020843.4 (MANE Select); coding-DNA position 33, T replaced by A.
Protein change: p.His11Gln; replaces histidine 11 with glutamine.
Molecular consequence: missense variant. On other transcripts: 5 prime UTR variant (3), non-coding transcript variant (1).
Genome position (GRCh38, 1-based): chr15:76,862,507, A>T on the plus strand (T>A on the coding strand, the complement: SCAPER is on the minus strand). VCF-style: chr15-76862507-A-T. GRCh37 (hg19) VCF-style: chr15-77154848-A-T.
Other names: c.33T>A, p.His11Gln (NM_001353009.2); c.-425T>A (NM_001353010.2); c.-488T>A (NM_001353011.2); c.-370T>A (NM_001353012.2); short protein forms H11Q.
Identifiers: ClinVar variation 4996163 (VCV004996163.1).
Genomic context (GRCh38, chr15:76,862,507, plus strand): 5'-CCAAGCTATTAGGTTTCTTGCTGTACGACCCTCCTCTGCAACTATTCTCCTTACTTTGTC[A>T]TGACTATTGGAGCGCTGGAATGAAGCCTATGTATGGAAAAGATGGTACTTATTAGATTAT-3'
Protein context (NP_065894.2, residues 1-21): MMASFQRSNS[His11Gln]DKVRRIVAEE